The following is an entry in ClinVar:

NM_000219.6(KCNE1):c.278C>A (p.Ala93Asp)

Gene: KCNE1 (potassium voltage-gated channel subfamily E regulatory subunit 1; minus strand). Cytogenetic location: 21q22.12.
Variant type: single nucleotide variant.
Coding change: c.278C>A on transcript NM_000219.6 (MANE Select); coding-DNA position 278, C replaced by A.
Protein change: p.Ala93Asp; replaces alanine 93 with aspartic acid.
Molecular consequence: missense variant.
Genome position (GRCh38, 1-based): chr21:34,449,357, G>T on the plus strand (C>A on the coding strand, the complement: KCNE1 is on the minus strand). VCF-style: chr21-34449357-G-T. GRCh37 (hg19) VCF-style: chr21-35821655-G-T.
Other names: c.278C>A, p.Ala93Asp (NM_001127668.4, NM_001127669.4, NM_001127670.4 and 4 more transcripts); short protein forms A93D.
Identifiers: ClinVar variation 3374513 (VCV003374513.2).

Conditions:
Long QT syndrome 5 (LQT5). Identifiers: Orphanet 101016, Orphanet 768, MedGen C1867904, MONDO:0013372, OMIM 613695.

Submission:

Roden Lab, Vanderbilt University Medical Center
No classification provided (evidence only). Condition: Long QT syndrome 5. Review status: no classification provided. Collection method: in vitro. Allele origin: not applicable. Functional consequence: Effect on ion channel function.
ClinVar note: "not provided" was previously submitted as the classification for the variant. However, the classification appeared to be based only on an observation of functional data so it was converted to no classification on 2025-07-30.